The following is an entry in ClinVar:

ClinVar aggregate classification (germline): Uncertain significance. Review status: criteria provided, multiple submitters, no conflicts (2 of 4 stars). 3 submissions from 3 submitters: Uncertain significance (3). Last evaluated 2023-05-30.

Conditions:
Inborn genetic diseases. Identifiers: MedGen C0950123, MeSH D030342.
Cerebral creatine deficiency syndrome. Also called: Creatine deficiency syndromes. Identifiers: Orphanet 79172, MedGen C5244016, MONDO:0000456.

Allele frequency attached by ClinVar (database versions not stated): gnomAD 0.00001; TOPMed 0.00001.
gnomAD v4.1: 17 of 1,606,630 alleles (0.0011%); highest among the groups gnomAD compares: Non-Finnish European, 0.0014%; no homozygotes.

Submissions (3):

Blueprint Genetics
Classification: Uncertain significance. Last evaluated: 2023-05-30. Review status: criteria provided, single submitter. Criteria: ACMG Guidelines, 2015. Collection method: clinical testing. Allele origin: germline.

Labcorp Genetics (formerly Invitae), Labcorp
Classification: Uncertain significance for Cerebral creatine deficiency syndrome. Last evaluated: 2022-03-13. Review status: criteria provided, single submitter. Criteria: Invitae Variant Classification Sherloc (09022015). Collection method: clinical testing. Allele origin: germline.
Comment: This sequence change replaces leucine, which is neutral and non-polar, with arginine, which is basic and polar, at codon 198 of the GAMT protein (p.Leu198Arg). This variant is present in population databases (no rsID available, gnomAD 0.0009%). This variant has not been reported in the literature in individuals affected with GAMT-related conditions. Algorithms developed to predict the effect of missense changes on protein structure and function (SIFT, PolyPhen-2, Align-GVGD) all suggest that this variant is likely to be tolerated. In summary, the available evidence is currently insufficient to determine the role of this variant in disease. Therefore, it has been classified as a Variant of Uncertain Significance.

Ambry Genetics
Classification: Uncertain significance for Inborn genetic diseases. Last evaluated: 2018-11-23. Review status: criteria provided, single submitter. Criteria: Ambry Variant Classification Scheme 2023. Collection method: clinical testing. Allele origin: germline.
Comment: The p.L198R variant (also known as c.593T>G), located in coding exon 6 of the GAMT gene, results from a T to G substitution at nucleotide position 593. The leucine at codon 198 is replaced by arginine, an amino acid with dissimilar properties. This amino acid position is well conserved in available vertebrate species. In addition, the in silico prediction for this alteration is inconclusive. Since supporting evidence is limited at this time, the clinical significance of this alteration remains unclear.

NM_000156.6(GAMT):c.593T>G (p.Leu198Arg)

Gene: GAMT (guanidinoacetate N-methyltransferase; minus strand). Cytogenetic location: 19p13.3.
Variant type: single nucleotide variant.
Coding change: c.593T>G on transcript NM_000156.6 (MANE Select); coding-DNA position 593, T replaced by G.
Protein change: p.Leu198Arg; replaces leucine 198 with arginine.
Molecular consequence: missense variant.
Genome position (GRCh38, 1-based): chr19:1,397,477, A>C on the plus strand (T>G on the coding strand, the complement: GAMT is on the minus strand). VCF-style: chr19-1397477-A-C. GRCh37 (hg19) VCF-style: chr19-1397476-A-C.
Other names: short protein forms L198R.
Identifiers: ClinVar variation 1750619 (VCV001750619.5), dbSNP rs1030954874, ClinGen allele CA304061927.
Genomic context (GRCh38, chr19:1,397,477, plus strand): 5'-GCCGGTGGGACCAGCGCCATCACCTCCGTACGGATGTTCTCCCTCCGGAAGCCGGCCTCC[A>C]GCAGCGCGGGCACCTGCGTCTCCTGGTCGGGGATGGCACCAGGTCACCTCTGAGGGCCAT-3'
Protein context (NP_000147.1, residues 188-208): MFEETQVPAL[Leu198Arg]EAGFRRENIR